The following is an entry in ClinVar:

ClinVar aggregate classification (germline): Likely pathogenic (1 of 4 stars; one submission).

Conditions:
Hereditary spastic paraplegia 11. Also called: Spastic paraplegia, mental retardation and thin corpus callosum; Nakamura Osame syndrome; Autosomal recessive hereditary spastic paraplegia, mental impairment, and thin corpus callosum; SPASTIC PARAPLEGIA, AUTOSOMAL RECESSIVE, COMPLICATED, WITH THIN CORPUS CALLOSUM; SPASTIC PARAPLEGIA, AUTOSOMAL RECESSIVE, WITH MENTAL IMPAIRMENT AND THIN CORPUS CALLOSUM; Spastic Paraplegia 11. Identifiers: Orphanet 2822, MedGen C1858479, MONDO:0011445, OMIM 604360.

Submission:

Labcorp Genetics (formerly Invitae), Labcorp
Classification: Likely pathogenic for Hereditary spastic paraplegia 11. Last evaluated: 2023-04-20. Review status: criteria provided, single submitter. Criteria: Invitae Variant Classification Sherloc (09022015). Collection method: clinical testing. Allele origin: germline.
Comment: ClinVar contains an entry for this variant (Variation ID: 844026). This sequence change creates a premature translational stop signal (p.His2388Thrfs*6) in the SPG11 gene. While this is not anticipated to result in nonsense mediated decay, it is expected to disrupt the last 56 amino acid(s) of the SPG11 protein. This variant is present in population databases (no rsID available, gnomAD 0.0009%). This premature translational stop signal has been observed in individual(s) with clinical features of SPG11-related conditions (PMID: 33624863; Invitae). In at least one individual the data is consistent with being in trans (on the opposite chromosome) from a pathogenic variant. This variant is also known as p.Gln2387ThrfsTer7. This variant disrupts the C-terminus of the SPG11 protein. Other variant(s) that disrupt this region (p.Glu2417Leufs*9) have been observed in individuals with SPG11-related conditions (Invitae). This suggests that this may be a clinically significant region of the protein. In summary, the currently available evidence indicates that the variant is pathogenic, but additional data are needed to prove that conclusively. Therefore, this variant has been classified as Likely Pathogenic.

Literature cited by the submitters: PubMed 33624863.

NM_025137.4(SPG11):c.7158_7161dup (p.His2388fs)

Gene: SPG11 (SPG11 vesicle trafficking associated, spatacsin; minus strand). Cytogenetic location: 15q21.1.
Variant type: Duplication.
Coding change: c.7158_7161dup on transcript NM_025137.4 (MANE Select); coding-DNA positions 7158 to 7161, 4 bases duplicated (ACAA; older notation c.7158_7161dupACAA).
Protein change: p.His2388fs; shifts the reading frame from histidine 2388.
Molecular consequence: frameshift variant.
Genome position (GRCh38, 1-based): chr15:44,563,292-44,563,295, TTGT duplicated on the plus strand (ACAA on the coding strand, the reverse complement: SPG11 is on the minus strand); duplicating any 4 consecutive bases within chr15:44,563,292-44,563,297 gives the same sequence; the c. name uses the placement nearest the transcript's 3' end. VCF-style (leftmost placement, unchanged base first): chr15-44563291-G-GTTGT. GRCh37 (hg19) VCF-style: chr15-44855489-G-GTTGT.
Other names: c.6819_6822dup, p.His2275fs (NM_001160227.2); short protein forms H2275fs, H2388fs.
Identifiers: ClinVar variation 844026 (VCV000844026.9), dbSNP rs1567123492, ClinGen allele CA617675193.
Genomic context (GRCh38, chr15:44,563,291, plus strand): 5'-CATCTTCACAATATGTGAGTAATTTCTTCAGGTTTTCCATGACCATGTCAGTAGGCTGAT[G>GTTGT]TTGTTTATATCTAGATAAAGAAACATAATGTACAGGTTAAGATACTGTTTTTTGTTTTGT-3'